The following is an entry in ClinVar:

NM_004100.5(EYA4):c.1269dup (p.Asn424Ter)

Genes: EYA4 (EYA transcriptional coactivator and phosphatase 4; plus strand), TARID (TCF21 antisense RNA inducing promoter demethylation; minus strand), LOC126859796 (MED14-independent group 3 enhancer GRCh37_chr6:133826289-133827488; plus strand). Cytogenetic location: 6q23.2.
Variant type: Duplication.
Coding change: c.1269dup on transcript NM_004100.5 (MANE Select); coding-DNA position 1269, one base duplicated (T; older notation c.1269dupT).
Protein change: p.Asn424Ter; replaces asparagine 424 with a stop codon.
Molecular consequence: nonsense. On other transcripts: non-coding transcript variant (1).
Genome position (GRCh38, 1-based): chr6:133,506,183, T duplicated; the last of 6 consecutive T bases (chr6:133,506,178-133,506,183); duplicating any one gives the same sequence. VCF-style (leftmost placement, unchanged base first): chr6-133506177-G-GT. GRCh37 (hg19) VCF-style: chr6-133827315-G-GT.
Other names: c.1107dup, p.Asn370Ter (NM_001301012.2); c.1287dup, p.Asn430Ter (NM_001301013.2); c.1200dup, p.Asn401Ter (NM_001370458.1, NM_172103.4); c.1125dup, p.Asn376Ter (NM_001370459.1); c.1269dup, p.Asn424Ter (NM_172105.4); short protein forms N370*, N376*, N401*, N424*, N430*.
Identifiers: ClinVar variation 3772603 (VCV003772603.13).

ClinVar aggregate classification (germline): Pathogenic (1 of 4 stars; one submission).

Submission:

CeGaT Center for Human Genetics Tuebingen
Classification: Pathogenic. Last evaluated: 2025-02-01. Review status: criteria provided, single submitter. Criteria: CeGaT Center For Human Genetics Tuebingen Variant Classification Criteria Version 2. Collection method: clinical testing. Allele origin: germline. Affected: yes. Observed: 1 variant allele.
Comment: EYA4: PVS1, PM2